The following is an entry in ClinVar:

NM_006015.6(ARID1A):c.819C>T (p.Ala273=)

Genes: ARID1A (AT-rich interaction domain 1A; plus strand), LOC129929837 (ATAC-STARR-seq lymphoblastoid silent region 489; plus strand). Cytogenetic location: 1p36.11.
Variant type: single nucleotide variant.
Coding change: c.819C>T on transcript NM_006015.6 (MANE Select); coding-DNA position 819, C replaced by T.
Protein change: p.Ala273=; no amino-acid change (alanine 273 retained).
Molecular consequence: synonymous variant.
Genome position (GRCh38, 1-based): chr1:26,697,222, C>T. VCF-style: chr1-26697222-C-T. GRCh37 (hg19) VCF-style: chr1-27023713-C-T.
Other names: c.819C>T, p.Ala273= (NM_139135.4).
Identifiers: ClinVar variation 2663489 (VCV002663489.1), dbSNP rs2080276601, ClinGen allele CA416989572.

ClinVar aggregate classification (germline): Uncertain significance (1 of 4 stars; one submission).

Allele frequency attached by ClinVar (database versions not stated): gnomAD exomes 0.00001.
gnomAD v4.1: 6 of 1,382,496 alleles (0.00043%); highest among the groups gnomAD compares: South Asian, 0.0017%; no homozygotes.

Submission:

GeneDx
Classification: Uncertain significance. Last evaluated: 2023-04-26. Review status: criteria provided, single submitter. Criteria: GeneDx Variant Classification Process June 2021. Collection method: clinical testing. Allele origin: germline. Affected: yes.
Comment: Not observed at significant frequency in large population cohorts (gnomAD); In silico analysis supports that this variant does not alter splicing; Has not been previously published as pathogenic or benign to our knowledge